The following is an entry in ClinVar:

ClinVar aggregate classification (germline): Benign (1 of 4 stars; one submission).

Allele frequency attached by ClinVar (database versions not stated): 1000 Genomes Project 0.65036; gnomAD 0.65636 and 0.66354; 1000 Genomes Project 30x 0.65709; TOPMed 0.66262.
gnomAD v4.1: 99,798 of 152,106 alleles (66%); highest among the groups gnomAD compares: African/African-American, 86%; 34,065 homozygotes.

Submission:

GeneDx
Classification: Benign. Last evaluated: 2018-06-16. Review status: criteria provided, single submitter. Criteria: GeneDx Variant Classification (06012015). Collection method: clinical testing. Allele origin: germline. Affected: yes.
Comment: This variant is considered likely benign or benign based on one or more of the following criteria: it is a conservative change, it occurs at a poorly conserved position in the protein, it is predicted to be benign by multiple in silico algorithms, and/or has population frequency not consistent with disease.

NM_001244710.2(GFPT1):c.7+271A>G

Gene: GFPT1 (glutamine--fructose-6-phosphate transaminase 1; minus strand). Cytogenetic location: 2p13.3.
Variant type: single nucleotide variant.
Coding change: c.7+271A>G on transcript NM_001244710.2 (MANE Select); 271 bases into the intron after coding-DNA position 7, A replaced by G.
Molecular consequence: intron variant.
Genome position (GRCh38, 1-based): chr2:69,386,794, T>C on the plus strand (A>G on the coding strand, the complement: GFPT1 is on the minus strand). VCF-style: chr2-69386794-T-C. GRCh37 (hg19) VCF-style: chr2-69613926-T-C.
Other names: c.7+271A>G (NM_002056.4).
Identifiers: ClinVar variation 682685 (VCV000682685.1), dbSNP rs6725340, ClinGen allele CA11117579.
Genomic context (GRCh38, chr2:69,386,794, plus strand): 5'-TCCACACCTCAATTCCCTCAGCTCTCTCCTCCTTTTTCAATAAAGGCGTTTCTCTCCCCT[T>C]TCGGTTCCTTCTCCGCGCCAAGGCGCCCGCTAGCCCCCGGCAAAGGGGGCCCGCCTTCCT-3'